The following is an entry in ClinVar:

NM_004329.3(BMPR1A):c.926C>G (p.Thr309Ser)

Gene: BMPR1A (bone morphogenetic protein receptor type 1A; plus strand). Cytogenetic location: 10q23.2.
Variant type: single nucleotide variant.
Coding change: c.926C>G on transcript NM_004329.3 (MANE Select); coding-DNA position 926, C replaced by G.
Protein change: p.Thr309Ser; replaces threonine 309 with serine.
Molecular consequence: missense variant.
Genome position (GRCh38, 1-based): chr10:86,919,229, C>G. VCF-style: chr10-86919229-C-G. GRCh37 (hg19) VCF-style: chr10-88678986-C-G.
Other names: short protein forms T309S.
Identifiers: ClinVar variation 491020 (VCV000491020.22), dbSNP rs1276976514, ClinGen allele CA377460054.

ClinVar aggregate classification (germline): Uncertain significance. Review status: criteria provided, multiple submitters, no conflicts (2 of 4 stars). 5 submissions from 5 submitters: Uncertain significance (5). Last evaluated 2024-05-28.

Conditions:
Juvenile polyposis syndrome (JPS). Identifiers: Orphanet 2929, MedGen C0345893, MONDO:0017380, OMIM 174900.
Hereditary cancer-predisposing syndrome. Also called: Tumor predisposition; Neoplastic Syndromes, Hereditary; Hereditary Cancer Syndrome; Hereditary neoplastic syndrome. Identifiers: Orphanet 140162, MedGen C0027672, MeSH D009386, MONDO:0015356.

Allele frequency attached by ClinVar (database versions not stated): gnomAD exomes below 0.00001; TOPMed below 0.00001; gnomAD 0.00001.

Submissions (5):

Ambry Genetics
Classification: Uncertain significance for Hereditary cancer-predisposing syndrome. Last evaluated: 2024-05-28. Review status: criteria provided, single submitter. Criteria: Ambry Variant Classification Scheme 2023. Collection method: clinical testing. Allele origin: germline.
Comment: The p.T309S variant (also known as c.926C>G), located in coding exon 8 of the BMPR1A gene, results from a C to G substitution at nucleotide position 926. The threonine at codon 309 is replaced by serine, an amino acid with similar properties. This amino acid position is highly conserved in available vertebrate species. In addition, this alteration is predicted to be deleterious by in silico analysis. Since supporting evidence is limited at this time, the clinical significance of this alteration remains unclear.

Color Diagnostics, LLC DBA Color Health
Classification: Uncertain significance for Hereditary cancer-predisposing syndrome. Last evaluated: 2024-03-06. Review status: criteria provided, single submitter. Criteria: ACMG Guidelines, 2015. Collection method: clinical testing. Allele origin: germline.
Comment: This missense variant replaces threonine with serine at codon 309 of the BMPR1A protein. Computational prediction suggests that this variant may have deleterious impact on protein structure and function (internally defined REVEL score threshold >= 0.7, PMID: 27666373). To our knowledge, functional studies have not been reported for this variant. This variant has not been reported in individuals affected with BMPR1A-related disorders in the literature. This variant has not been identified in the general population by the Genome Aggregation Database (gnomAD). The available evidence is insufficient to determine the role of this variant in disease conclusively. Therefore, this variant is classified as a Variant of Uncertain Significance.

Labcorp Genetics (formerly Invitae), Labcorp
Classification: Uncertain significance for Juvenile polyposis syndrome. Last evaluated: 2023-04-27. Review status: criteria provided, single submitter. Criteria: Invitae Variant Classification Sherloc (09022015). Collection method: clinical testing. Allele origin: germline.
Comment: In summary, the available evidence is currently insufficient to determine the role of this variant in disease. Therefore, it has been classified as a Variant of Uncertain Significance. Advanced modeling of protein sequence and biophysical properties (such as structural, functional, and spatial information, amino acid conservation, physicochemical variation, residue mobility, and thermodynamic stability) performed at Invitae indicates that this missense variant is not expected to disrupt BMPR1A protein function. ClinVar contains an entry for this variant (Variation ID: 491020). This variant has not been reported in the literature in individuals affected with BMPR1A-related conditions. This variant is not present in population databases (gnomAD no frequency). This sequence change replaces threonine, which is neutral and polar, with serine, which is neutral and polar, at codon 309 of the BMPR1A protein (p.Thr309Ser).

All of Us Research Program, National Institutes of Health
Classification: Uncertain significance for Juvenile polyposis syndrome. Last evaluated: 2022-11-28. Review status: criteria provided, single submitter. Criteria: ACMG Guidelines, 2015. Collection method: clinical testing. Allele origin: germline. Inheritance: Autosomal dominant inheritance. Observed: 1 variant allele, 1 heterozygote.
Comment: This study involves interpretation of variants in research participants for the purpose of population health screening. Participant phenotype was not available at the time of variant classification. Additional details can be found in publication PMID: 35346344, PMCID: PMC8962531

GeneDx
Classification: Uncertain significance. Last evaluated: 2022-08-04. Review status: criteria provided, single submitter. Criteria: GeneDx Variant Classification Process June 2021. Collection method: clinical testing. Allele origin: germline. Affected: yes.
Comment: Not observed in large population cohorts (gnomAD); In silico analysis supports that this missense variant has a deleterious effect on protein structure/function; Has not been previously published as pathogenic or benign to our knowledge